The following is an entry in ClinVar:

NM_032043.3(BRIP1):c.2970C>G (p.Ser990Arg)

Gene: BRIP1 (BRCA1 interacting DNA helicase 1; minus strand). Cytogenetic location: 17q23.2.
Variant type: single nucleotide variant.
Coding change: c.2970C>G on transcript NM_032043.3 (MANE Select); coding-DNA position 2970, C replaced by G.
Protein change: p.Ser990Arg; replaces serine 990 with arginine.
Molecular consequence: missense variant.
Genome position (GRCh38, 1-based): chr17:61,684,076, G>C on the plus strand (C>G on the coding strand, the complement: BRIP1 is on the minus strand). VCF-style: chr17-61684076-G-C. GRCh37 (hg19) VCF-style: chr17-59761437-G-C.
Other names: short protein forms S990R.
Identifiers: ClinVar variation 2921331 (VCV002921331.3), dbSNP rs1603275650, ClinGen allele CA400480639.

ClinVar aggregate classification (germline): Uncertain significance (1 of 4 stars; one submission).

Conditions:
Fanconi anemia complementation group J. Also called: BRIP1-Related Fanconi Anemia. Identifiers: Orphanet 84, MedGen C1836860, MONDO:0012187, OMIM 609054.
Familial cancer of breast. Also called: hereditary breast carcinoma; BREAST CANCER, FAMILIAL; Hereditary breast cancer. Identifiers: Orphanet 227535, MedGen C0346153, MONDO:0016419, OMIM 114480. Disease mechanism: loss of function.

Submission:

Labcorp Genetics (formerly Invitae), Labcorp
Classification: Uncertain significance for Familial cancer of breast; Fanconi anemia complementation group J. Last evaluated: 2023-12-12. Review status: criteria provided, single submitter. Criteria: Invitae Variant Classification Sherloc (09022015). Collection method: clinical testing. Allele origin: germline.
Comment: This sequence change replaces serine, which is neutral and polar, with arginine, which is basic and polar, at codon 990 of the BRIP1 protein (p.Ser990Arg). This variant is not present in population databases (gnomAD no frequency). This variant has not been reported in the literature in individuals affected with BRIP1-related conditions. An algorithm developed to predict the effect of missense changes on protein structure and function (PolyPhen-2) suggests that this variant is likely to be tolerated. In summary, the available evidence is currently insufficient to determine the role of this variant in disease. Therefore, it has been classified as a Variant of Uncertain Significance.